The following is an entry in ClinVar:

ClinVar aggregate classification (germline): Uncertain significance. Review status: criteria provided, multiple submitters, no conflicts (2 of 4 stars). 2 submissions from 2 submitters: Uncertain significance (2). Last evaluated 2025-02-22.

Conditions:
Inborn genetic diseases. Identifiers: MedGen C0950123, MeSH D030342.

Allele frequency attached by ClinVar (database versions not stated): ExAC 0.00001; gnomAD exomes 0.00001; TOPMed 0.00002; gnomAD 0.00003.
gnomAD v4.1: 16 of 1,613,744 alleles (0.00099%); highest among the groups gnomAD compares: East Asian, 0.0067%; no homozygotes.

Submissions (2):

Ambry Genetics
Classification: Uncertain significance for Inborn genetic diseases. Last evaluated: 2025-02-22. Review status: criteria provided, single submitter. Criteria: Ambry Variant Classification Scheme 2023. Collection method: clinical testing. Allele origin: germline.

Labcorp Genetics (formerly Invitae), Labcorp
Classification: Uncertain significance. Last evaluated: 2023-06-06. Review status: criteria provided, single submitter. Criteria: Invitae Variant Classification Sherloc (09022015). Collection method: clinical testing. Allele origin: germline.
Comment: This sequence change replaces aspartic acid, which is acidic and polar, with asparagine, which is neutral and polar, at codon 417 of the LRP5 protein (p.Asp417Asn). The frequency data for this variant in the population databases is considered unreliable, as metrics indicate poor data quality at this position in the gnomAD database. This variant has not been reported in the literature in individuals affected with LRP5-related conditions. Advanced modeling of protein sequence and biophysical properties (such as structural, functional, and spatial information, amino acid conservation, physicochemical variation, residue mobility, and thermodynamic stability) performed at Invitae indicates that this missense variant is not expected to disrupt LRP5 protein function. In summary, the available evidence is currently insufficient to determine the role of this variant in disease. Therefore, it has been classified as a Variant of Uncertain Significance.

NM_002335.4(LRP5):c.1249G>A (p.Asp417Asn)

Gene: LRP5 (LDL receptor related protein 5; plus strand). Cytogenetic location: 11q13.2.
Variant type: single nucleotide variant.
Coding change: c.1249G>A on transcript NM_002335.4 (MANE Select); coding-DNA position 1249, G replaced by A.
Protein change: p.Asp417Asn; replaces aspartic acid 417 with asparagine.
Molecular consequence: missense variant. On other transcripts: 5 prime UTR variant (1).
Genome position (GRCh38, 1-based): chr11:68,386,549, G>A. VCF-style: chr11-68386549-G-A. GRCh37 (hg19) VCF-style: chr11-68154017-G-A.
Other names: c.1249G>A (NM_002335.2); c.-517G>A (NM_001291902.2); short protein forms D417N.
Identifiers: ClinVar variation 2790942 (VCV002790942.4), dbSNP rs745871660, ClinGen allele CA6149283.